The following is an entry in ClinVar:

ClinVar aggregate classification (germline): Benign/Likely benign. Review status: criteria provided, multiple submitters, no conflicts (2 of 4 stars). 4 submissions from 4 submitters: Benign (1); Likely benign (1). 2 of the submissions do not count toward it. Last evaluated 2025-07-22.

Conditions:
Peripheral neuropathy. Also called: Neuropathy. Identifiers: MedGen C0031117, MONDO:0005244, HP:0009830.
NEFH-related disorder. Also called: NEFH-related condition.

Allele frequency attached by ClinVar (database versions not stated): gnomAD 0.00009 and 0.00015; TOPMed 0.00013; ExAC 0.00026; gnomAD exomes 0.00029; 1000 Genomes Project 30x 0.00125; 1000 Genomes Project 0.00140.
gnomAD v4.1: 150 of 1,614,092 alleles (0.0093%); highest among the groups gnomAD compares: East Asian, 0.15%; 1 homozygote.

Submissions (4):

Labcorp Genetics (formerly Invitae), Labcorp
Classification: Benign. Last evaluated: 2025-07-22. Review status: criteria provided, single submitter. Criteria: Invitae Variant Classification Sherloc (09022015). Collection method: clinical testing. Allele origin: germline.

Blueprint Genetics
Classification: Likely benign. Last evaluated: 2024-10-10. Review status: criteria provided, single submitter. Criteria: ACMG Guidelines, 2015. Collection method: clinical testing. Allele origin: germline.

PreventionGenetics, part of Exact Sciences
Classification: Likely benign for NEFH-related condition. Last evaluated: 2019-09-10. Review status: no assertion criteria provided. Collection method: clinical testing. Allele origin: germline. Not counted in ClinVar's aggregate classification.
Comment: This variant is classified as likely benign based on ACMG/AMP sequence variant interpretation guidelines (Richards et al. 2015 PMID: 25741868, with internal and published modifications).

Institute of Human Genetics, University of Wuerzburg
Classification: Uncertain significance for Peripheral neuropathy. Review status: no assertion criteria provided. Collection method: clinical testing. Allele origin: unknown. Affected: yes. Observed: 1 variant allele. Not counted in ClinVar's aggregate classification.

NM_021076.4(NEFH):c.1208+8G>A

Gene: NEFH (neurofilament heavy chain; plus strand). Cytogenetic location: 22q12.2.
Variant type: single nucleotide variant.
Coding change: c.1208+8G>A on transcript NM_021076.4 (MANE Select); 8 bases into the intron after coding-DNA position 1208, G replaced by A.
Molecular consequence: intron variant.
Genome position (GRCh38, 1-based): chr22:29,485,855, G>A. VCF-style: chr22-29485855-G-A. GRCh37 (hg19) VCF-style: chr22-29881844-G-A.
Other names: c.1208+8G>A (NM_021076.3).
Identifiers: ClinVar variation 1636936 (VCV001636936.12), dbSNP rs117036372, ClinGen allele CA10174147.